The following is an entry in ClinVar:

ClinVar aggregate classification (germline): Pathogenic. Review status: criteria provided, multiple submitters, no conflicts (2 of 4 stars). 6 submissions from 6 submitters: Pathogenic (5). 1 of the submissions does not count toward it. Last evaluated 2025-12-29.

Conditions:
Cholestanol storage disease (CTX). Also called: CEREBRAL CHOLESTERINOSIS; Cerebrotendinous Xanthomatosis; CTX: Cerebrotendinous xanthomatosis. Identifiers: Orphanet 909, MedGen C0238052, MONDO:0008948, OMIM 213700.

gnomAD v4.1: 2 of 1,614,132 alleles (0.00012%); highest among the groups gnomAD compares: Non-Finnish European, 0.00017%; no homozygotes.

Submissions (6):

Labcorp Genetics (formerly Invitae), Labcorp
Classification: Pathogenic for Cholestanol storage disease. Last evaluated: 2025-12-29. Review status: criteria provided, single submitter. Criteria: Invitae Variant Classification Sherloc (09022015). Collection method: clinical testing. Allele origin: germline.
Comment: This sequence change affects an acceptor splice site in intron 6 of the CYP27A1 gene. It is expected to disrupt RNA splicing. Variants that disrupt the donor or acceptor splice site typically lead to a loss of protein function (PMID: 16199547), and loss-of-function variants in CYP27A1 are known to be pathogenic (PMID: 9392430, 10775536, 26937392). This variant is not present in population databases (gnomAD no frequency). Disruption of this splice site has been observed in individual(s) with cerebrotendinous xanthomatosis (PMID: 14741198, 25983621). This variant is also known as IVS6-1G>T. ClinVar contains an entry for this variant (Variation ID: 65835). Algorithms developed to predict the effect of sequence changes on RNA splicing suggest that this variant may disrupt the consensus splice site. For these reasons, this variant has been classified as Pathogenic.

Natera, Inc.
Classification: Pathogenic for Cerebrotendinous xanthomatosis. Last evaluated: 2025-05-20. Review status: criteria provided, single submitter. Criteria: Natera Variant Classification Schema (03/2026). Collection method: clinical testing. Allele origin: germline.
Comment: The c.1185-1G>T variant in CYP27A1 is a canonical splice acceptor site variant predicted to affect pre-mRNA splicing, which may result in an abnormal transcript and altered protein product. This variant is expected to result in nonsense mediated decay, truncation, or a dysfunctional protein product. This variant is rare in the general population with a frequency below the threshold expected for the associated phenotype(s). This variant has been observed in one or more individuals affected with the associated recessive disease, as either homozygous or compound heterozygous with a second variant (PMID: 14741198). Additionally, this variant has been observed to segregate in affected family members (PMID: 14741198). Given the available evidence, this variant is classified as Pathogenic.

Myriad Genetics, Inc.
Classification: Pathogenic for Cholestanol storage disease. Last evaluated: 2025-04-08. Review status: criteria provided, single submitter. Criteria: Myriad Autosomal Dominant, Autosomal Recessive and X-Linked Classification Criteria (2023). Collection method: clinical testing. Allele origin: unknown.
Comment: NM_000784.3(CYP27A1):c.1185-1G>T is a variant in a canonical splice site classified as pathogenic in the context of cerebrotendinous xanthomatosis. c.1185-1G>T has been observed in a case with relevant disease (PMID: 14741198). Relevant functional assessments of this variant are not available in the literature. c.1185-1G>T has not been observed in referenced population frequency databases. In summary, NM_000784.3(CYP27A1):c.1185-1G>T is a variant in a canonical splice site in a gene where loss of function is a known mechanism of disease, is predicted to disrupt protein function, and has been observed more frequently in cases with the relevant disease than in healthy populations. Please note: this variant was assessed in the context of healthy population screening.

Baylor Genetics
Classification: Pathogenic for Cholestanol storage disease. Last evaluated: 2023-12-30. Review status: criteria provided, single submitter. Criteria: ACMG Guidelines, 2015. Collection method: clinical testing. Allele origin: unknown.

Unidad de Genómica Médica UC, Pontificia Universidad Católica de Chile
Classification: Pathogenic for Cholestanol storage disease. Last evaluated: 2014-04-07. Review status: criteria provided, single submitter. Criteria: Smalley et al. (Genet Mol Biol. 2015). Collection method: research. Allele origin: germline. Inheritance: Autosomal recessive inheritance. Affected: yes. Observed: 1 homozygote.
Comment: The homozygous c.1185-1G>T variant causes skippig of exon 7 and the generation of a premature stop codon in exon 8, leading to the loss of the crucial adrenoxin binding domain of CYP27A1.

GeneReviews
Classification: Pathogenic for Cerebrotendinous Xanthomatosis. Last evaluated: 2013-08-01. Review status: no assertion criteria provided. Collection method: curation. Allele origin: unknown. Not counted in ClinVar's aggregate classification.
ClinVar note: Converted during submission from pathologic to Pathogenic.

Literature cited by the submitters: PubMed 16199547 (cited by Labcorp Genetics (formerly Invitae), Labcorp); PubMed 9392430 (cited by Labcorp Genetics (formerly Invitae), Labcorp); PubMed 10775536 (cited by Labcorp Genetics (formerly Invitae), Labcorp); PubMed 26937392 (cited by Labcorp Genetics (formerly Invitae), Labcorp); PubMed 14741198 (cited by 3 submitters); PubMed 25983621 (cited by Labcorp Genetics (formerly Invitae), Labcorp).

NM_000784.4(CYP27A1):c.1185-1G>T

Gene: CYP27A1 (cytochrome P450 family 27 subfamily A member 1; plus strand). Cytogenetic location: 2q35.
Variant type: single nucleotide variant.
Coding change: c.1185-1G>T on transcript NM_000784.4 (MANE Select); the canonical splice acceptor site of the intron before coding-DNA position 1185, G replaced by T.
Molecular consequence: splice acceptor variant.
Genome position (GRCh38, 1-based): chr2:218,814,379, G>T. VCF-style: chr2-218814379-G-T. GRCh37 (hg19) VCF-style: chr2-219679102-G-T.
Other names: c.1185-1G>T.
Identifiers: ClinVar variation 65835 (VCV000065835.14), dbSNP rs587778779, ClinGen allele CA345164.